The following is an entry in ClinVar:

ClinVar aggregate classification (germline): Benign/Likely benign. Review status: criteria provided, multiple submitters, no conflicts (2 of 4 stars). 3 submissions from 3 submitters: Benign (1); Likely benign (2). Last evaluated 2024-10-02.

Conditions:
Hereditary cancer-predisposing syndrome. Also called: Hereditary neoplastic syndrome; Hereditary Cancer Syndrome; Neoplastic Syndromes, Hereditary; Tumor predisposition. Identifiers: Orphanet 140162, MedGen C0027672, MeSH D009386, MONDO:0015356.
Familial cancer of breast. Also called: Hereditary breast cancer; BREAST CANCER, FAMILIAL; hereditary breast carcinoma. Identifiers: Orphanet 227535, MedGen C0346153, MONDO:0016419, OMIM 114480. Disease mechanism: loss of function.

Submissions (3):

Myriad Genetics, Inc.
Classification: Benign for Familial cancer of breast. Last evaluated: 2024-10-02. Review status: criteria provided, single submitter. Criteria: Myriad Autosomal Dominant, Autosomal Recessive and X-Linked Classification Criteria (2023). Collection method: clinical testing. Allele origin: unknown.
Comment: This variant is considered benign. This variant is a silent/synonymous amino acid change and it is not expected to impact splicing.

Labcorp Genetics (formerly Invitae), Labcorp
Classification: Likely benign for Familial cancer of breast. Last evaluated: 2016-12-20. Review status: criteria provided, single submitter. Criteria: Invitae Variant Classification Sherloc (09022015). Collection method: clinical testing. Allele origin: germline.

Ambry Genetics
Classification: Likely benign for Hereditary cancer-predisposing syndrome. Last evaluated: 2014-11-25. Review status: criteria provided, single submitter. Criteria: Ambry Variant Classification Scheme 2023. Collection method: clinical testing. Allele origin: germline.

NM_007194.4(CHEK2):c.414A>C (p.Thr138=)

Gene: CHEK2 (checkpoint kinase 2; minus strand). Cytogenetic location: 22q12.1.
Variant type: single nucleotide variant.
Coding change: c.414A>C on transcript NM_007194.4 (MANE Select); coding-DNA position 414, A replaced by C.
Protein change: p.Thr138=; no amino-acid change (threonine 138 retained).
Molecular consequence: synonymous variant.
Genome position (GRCh38, 1-based): chr22:28,725,273, T>G on the plus strand (A>C on the coding strand, the complement: CHEK2 is on the minus strand). VCF-style: chr22-28725273-T-G. GRCh37 (hg19) VCF-style: chr22-29121261-T-G.
Other names: c.543A>C, p.Thr181= (NM_001005735.3); c.-364A>C (NM_001257387.3); c.414A>C, p.Thr138= (NM_001349956.3, NM_145862.3).
Identifiers: ClinVar variation 229727 (VCV000229727.16), dbSNP rs876658162, ClinGen allele CA10581098.